The following is an entry in ClinVar:

ClinVar aggregate classification (germline): Uncertain significance (1 of 4 stars; one submission).

Conditions:
Hereditary cancer-predisposing syndrome. Also called: Tumor predisposition; Hereditary neoplastic syndrome; Hereditary Cancer Syndrome; Neoplastic Syndromes, Hereditary. Identifiers: Orphanet 140162, MedGen C0027672, MeSH D009386, MONDO:0015356.

Allele frequency attached by ClinVar (database versions not stated): gnomAD exomes below 0.00001.
gnomAD v4.1: 3 of 1,614,118 alleles (0.00019%); highest among the groups gnomAD compares: Non-Finnish European, 0.00025%; no homozygotes.

Submission:

Ambry Genetics
Classification: Uncertain significance for Hereditary cancer-predisposing syndrome. Last evaluated: 2023-09-25. Review status: criteria provided, single submitter. Criteria: Ambry Variant Classification Scheme 2023. Collection method: clinical testing. Allele origin: germline.
Comment: The p.R357C variant (also known as c.1069C>T), located in coding exon 10 of the PRKAR1A gene, results from a C to T substitution at nucleotide position 1069. The arginine at codon 357 is replaced by cysteine, an amino acid with highly dissimilar properties. This amino acid position is conserved. In addition, this alteration is predicted to be deleterious by in silico analysis. Since supporting evidence is limited at this time, the clinical significance of this alteration remains unclear.

NM_002734.5(PRKAR1A):c.1069C>T (p.Arg357Cys)

Gene: PRKAR1A (protein kinase cAMP-dependent type I regulatory subunit alpha; plus strand). Cytogenetic location: 17q24.2.
Variant type: single nucleotide variant.
Coding change: c.1069C>T on transcript NM_002734.5 (MANE Select); coding-DNA position 1069, C replaced by T.
Protein change: p.Arg357Cys; replaces arginine 357 with cysteine.
Molecular consequence: missense variant. On other transcripts: intron variant (1).
Genome position (GRCh38, 1-based): chr17:68,530,372, C>T. VCF-style: chr17-68530372-C-T. GRCh37 (hg19) VCF-style: chr17-66526513-C-T.
Other names: c.1069C>T, p.Arg357Cys (NM_001276289.2, NM_001278433.2, NM_001369389.1 and 3 more transcripts); c.973+371C>T (NM_001276290.1); short protein forms R357C.
Identifiers: ClinVar variation 3222757 (VCV003222757.1), dbSNP rs2143391217, ClinGen allele CA400754751.
Genomic context (GRCh38, chr17:68,530,372, plus strand): 5'-GCCACAGTTGTTGCTCGTGGCCCCTTGAAGTGCGTTAAGCTGGACCGACCTAGATTTGAA[C>T]GTGTTCTTGGCCCATGCTCAGACATCCTCAAACGAAACATCCAGCAGTACAACAGTTTTG-3'
Protein context (NP_002725.1, residues 347-367): CVKLDRPRFE[Arg357Cys]VLGPCSDILK